The following is an entry in ClinVar:

ClinVar aggregate classification (germline): Uncertain significance (1 of 4 stars; one submission).

Conditions:
Cardiovascular phenotype. Identifiers: MedGen CN230736.

Allele frequency attached by ClinVar (database versions not stated): gnomAD exomes below 0.00001 and 0.00001; ExAC 0.00002.
gnomAD v4.1: 1 of 1,611,310 alleles (0.000062%); highest among the groups gnomAD compares: Non-Finnish European, 0.000085%; no homozygotes.

Submission:

Ambry Genetics
Classification: Uncertain significance for Cardiovascular phenotype. Last evaluated: 2017-05-26. Review status: criteria provided, single submitter. Criteria: Ambry Variant Classification Scheme 2023. Collection method: clinical testing. Allele origin: germline.
Comment: The p.A3757D variant (also known as c.11270C>A), located in coding exon 82 of the RYR2 gene, results from a C to A substitution at nucleotide position 11270. The alanine at codon 3757 is replaced by aspartic acid, an amino acid with dissimilar properties. This amino acid position is not well conserved in available vertebrate species. In addition, the in silico prediction for this alteration is inconclusive. Since supporting evidence is limited at this time, the clinical significance of this alteration remains unclear.

NM_001035.3(RYR2):c.11270C>A (p.Ala3757Asp)

Gene: RYR2 (ryanodine receptor 2; plus strand). Cytogenetic location: 1q43.
Variant type: single nucleotide variant.
Coding change: c.11270C>A on transcript NM_001035.3 (MANE Select); coding-DNA position 11270, C replaced by A.
Protein change: p.Ala3757Asp; replaces alanine 3757 with aspartic acid.
Molecular consequence: missense variant.
Genome position (GRCh38, 1-based): chr1:237,757,721, C>A. VCF-style: chr1-237757721-C-A. GRCh37 (hg19) VCF-style: chr1-237921021-C-A.
Other names: c.11270C>A, p.Ala3757Asp (LRG_402t1); short protein forms A3757D.
Identifiers: ClinVar variation 519448 (VCV000519448.5), dbSNP rs765833382, ClinGen allele CA084885.